The following is an entry in ClinVar:

ClinVar aggregate classification (germline): Likely pathogenic (1 of 4 stars; one submission).

Conditions:
Hereditary cancer-predisposing syndrome. Also called: Tumor predisposition; Hereditary Cancer Syndrome; Hereditary neoplastic syndrome; Neoplastic Syndromes, Hereditary. Identifiers: Orphanet 140162, MedGen C0027672, MeSH D009386, MONDO:0015356.

gnomAD v4.1: 2 of 1,613,658 alleles (0.00012%); highest among the groups gnomAD compares: Non-Finnish European, 0.00017%; no homozygotes.

Submissions (2):

Ambry Genetics
Classification: Likely pathogenic for Hereditary cancer-predisposing syndrome. Last evaluated: 2020-07-27. Review status: criteria provided, single submitter. Criteria: Ambry Variant Classification Scheme 2023. Collection method: clinical testing. Allele origin: germline.
Comment: The p.P34R variant (also known as c.101C>G), located in coding exon 2 of the BRCA1 gene, results from a C to G substitution at nucleotide position 101. The proline at codon 34 is replaced by arginine, an amino acid with dissimilar properties. One functional study found that this nucleotide substitution is deleterious in a high throughput genome editing haploid cell survival assay (Findlay GM et al. Nature, 2018 10;562:217-222). Based on internal structural analysis, this variant is anticipated to result in a significant decrease in structural stability (Brzovic PS et al. Nat. Struct. Biol., 2001 Oct;8:833-7). This amino acid position is highly conserved in available vertebrate species. In addition, this alteration is predicted to be deleterious by in silico analysis. This variant was not reported in population-based cohorts in the Genome Aggregation Database (gnomAD). Based on the majority of available evidence to date, this variant is likely to be pathogenic.

Brotman Baty Institute, University of Washington
No classification provided (evidence only). Condition: Breast-ovarian cancer, familial 1. Review status: no classification provided. Collection method: in vitro. Allele origin: not applicable. Functional consequence: functionally_abnormal. Not counted in ClinVar's aggregate classification.
ClinVar note: "not provided" was previously submitted as the classification for the variant. However, the classification appeared to be based only on an observation of functional data so it was converted to no classification on 2025-07-30.

Literature cited by the submitters: PubMed 11573085 (cited by Ambry Genetics); PubMed 30209399 (cited by Ambry Genetics).

NM_007294.4(BRCA1):c.101C>G (p.Pro34Arg)

Gene: BRCA1 (BRCA1 DNA repair associated; minus strand). Cytogenetic location: 17q21.31.
Variant type: single nucleotide variant.
Coding change: c.101C>G on transcript NM_007294.4 (MANE Select); coding-DNA position 101, C replaced by G.
Protein change: p.Pro34Arg; replaces proline 34 with arginine.
Molecular consequence: missense variant. On other transcripts: non-coding transcript variant (1), intron variant (1).
Genome position (GRCh38, 1-based): chr17:43,115,759, G>C on the plus strand (C>G on the coding strand, the complement: BRCA1 is on the minus strand). VCF-style: chr17-43115759-G-C. GRCh37 (hg19) VCF-style: chr17-41267776-G-C.
Other names: c.-41C>G (NM_001407729.1, NM_001407730.1, NM_001407734.1 and 47 more transcripts); c.-157C>G (NM_001407731.1, NM_001407733.1, NM_001407746.1 and 13 more transcripts); c.-37C>G (NM_001407841.1); c.-88C>G (NM_001407853.1, NM_001407879.1, NM_001407882.1 and 52 more transcripts); c.101C>G, p.Pro34Arg (NM_001407854.1, NM_001407858.1, NM_001407859.1 and 192 more transcripts); c.-204C>G (NM_001407889.1, NM_001407900.1, NM_001408492.1); c.-203C>G (NM_001407960.1, NM_001407962.1, NM_001408510.1 and 1 more transcripts); c.-319C>G (NM_001407965.1); and 2 more; short protein forms P34R.
Identifiers: ClinVar variation 867486 (VCV000867486.5), dbSNP rs786203319, ClinGen allele CA10601949.
Genomic context (GRCh38, chr17:43,115,759, plus strand): 5'-GGAGCCACATAACACATTCAAACTTACTTGCAAAATATGTGGTCACACTTTGTGGAGACA[G>C]GTTCCTTGATCAACTCCAGACTAGCAGGGTAGGGGGGGAGAAAAAGAAAATAAATGAGGC-3'
Protein context (NP_009225.1, residues 24-44): CPICLELIKE[Pro34Arg]VSTKCDHIFC